The following is an entry in ClinVar:

NM_138927.4(SON):c.1705G>T (p.Val569Leu)

Gene: SON (SON DNA and RNA binding protein; plus strand). Cytogenetic location: 21q22.11.
Variant type: single nucleotide variant.
Coding change: c.1705G>T on transcript NM_138927.4 (MANE Select); coding-DNA position 1705, G replaced by T.
Protein change: p.Val569Leu; replaces valine 569 with leucine.
Molecular consequence: missense variant. On other transcripts: non-coding transcript variant (1), intron variant (1).
Genome position (GRCh38, 1-based): chr21:33,550,936, G>T. VCF-style: chr21-33550936-G-T. GRCh37 (hg19) VCF-style: chr21-34923242-G-T.
Other names: c.1705G>T, p.Val569Leu (NM_001291411.2, NM_032195.3); c.244+4557G>T (NM_001291412.3); c.1705G>T (NM_138927.2); short protein forms V569L.
Identifiers: ClinVar variation 749848 (VCV000749848.10), dbSNP rs778563835, ClinGen allele CA10008961.

ClinVar aggregate classification (germline): Likely benign. Review status: criteria provided, single submitter (1 of 4 stars). 2 submissions from 2 submitters: Likely benign (1). 1 of the submissions does not count toward it. Last evaluated 2025-11-25.

Conditions:
SON-related disorder. Also called: SON-related condition.

Allele frequency attached by ClinVar (database versions not stated): gnomAD exomes 0.00003 and 0.00014; gnomAD 0.00008 and 0.00009; TOPMed 0.00010; ExAC 0.00019.
gnomAD v4.1: 56 of 1,607,342 alleles (0.0035%); highest among the groups gnomAD compares: Admixed American, 0.07%; 1 homozygote.

Submissions (2):

Labcorp Genetics (formerly Invitae), Labcorp
Classification: Likely benign. Last evaluated: 2025-11-25. Review status: criteria provided, single submitter. Criteria: Invitae Variant Classification Sherloc (09022015). Collection method: clinical testing. Allele origin: germline.

PreventionGenetics, part of Exact Sciences
Classification: Benign for SON-related condition. Last evaluated: 2020-01-14. Review status: no assertion criteria provided. Collection method: clinical testing. Allele origin: germline. Not counted in ClinVar's aggregate classification.
Comment: This variant is classified as benign based on ACMG/AMP sequence variant interpretation guidelines (Richards et al. 2015 PMID: 25741868, with internal and published modifications).